The following is an entry in ClinVar:

ClinVar aggregate classification (germline): Uncertain significance (1 of 4 stars; one submission).

Submission:

Labcorp Genetics (formerly Invitae), Labcorp
Classification: Uncertain significance. Last evaluated: 2025-08-21. Review status: criteria provided, single submitter. Criteria: Invitae Variant Classification Sherloc (09022015). Collection method: clinical testing. Allele origin: germline.
Comment: This sequence change replaces arginine, which is basic and polar, with leucine, which is neutral and non-polar, at codon 157 of the CACNA1E protein (p.Arg157Leu). This variant is not present in population databases (gnomAD no frequency). This variant has not been reported in the literature in individuals affected with CACNA1E-related conditions. ClinVar contains an entry for this variant (Variation ID: 1517602). Invitae Evidence Modeling of protein sequence and biophysical properties (such as structural, functional, and spatial information, amino acid conservation, physicochemical variation, residue mobility, and thermodynamic stability) has been performed for this missense variant. However, the output from this modeling did not meet the statistical confidence thresholds required to predict the impact of this variant on CACNA1E protein function. In summary, the available evidence is currently insufficient to determine the role of this variant in disease. Therefore, it has been classified as a Variant of Uncertain Significance.

NM_001205293.3(CACNA1E):c.470G>T (p.Arg157Leu)

Gene: CACNA1E (calcium voltage-gated channel subunit alpha1 E; plus strand). Cytogenetic location: 1q25.3.
Variant type: single nucleotide variant.
Coding change: c.470G>T on transcript NM_001205293.3 (MANE Select); coding-DNA position 470, G replaced by T.
Protein change: p.Arg157Leu; replaces arginine 157 with leucine.
Molecular consequence: missense variant.
Genome position (GRCh38, 1-based): chr1:181,511,468, G>T. VCF-style: chr1-181511468-G-T. GRCh37 (hg19) VCF-style: chr1-181480604-G-T.
Other names: c.470G>T, p.Arg157Leu (NM_000721.4, NM_001205294.2); short protein forms R157L.
Identifiers: ClinVar variation 1517602 (VCV001517602.6), dbSNP rs373195246, ClinGen allele CA343846322.